The following is an entry in ClinVar:

NM_000548.5(TSC2):c.4714A>C (p.Thr1572Pro)

Gene: TSC2 (TSC complex subunit 2; plus strand). Cytogenetic location: 16p13.3.
Variant type: single nucleotide variant.
Coding change: c.4714A>C on transcript NM_000548.5 (MANE Select); coding-DNA position 4714, A replaced by C.
Protein change: p.Thr1572Pro; replaces threonine 1572 with proline.
Molecular consequence: missense variant. On other transcripts: non-coding transcript variant (5).
Genome position (GRCh38, 1-based): chr16:2,086,244, A>C. VCF-style: chr16-2086244-A-C. GRCh37 (hg19) VCF-style: chr16-2136245-A-C.
Other names: c.4513A>C, p.Thr1505Pro (NM_001077183.3); c.4645A>C, p.Thr1549Pro (NM_001114382.3); c.4405A>C, p.Thr1469Pro (NM_001318827.2); c.4369A>C, p.Thr1457Pro (NM_001318829.2); c.3982A>C, p.Thr1328Pro (NM_001318831.2); c.4546A>C, p.Thr1516Pro (NM_001318832.2); c.4516A>C, p.Thr1506Pro (NM_001363528.2); c.4582A>C, p.Thr1528Pro (NM_001370404.1); and 26 more; short protein forms T1058P, T1081P, T1306P, T1348P, T1349P, T1352P, T1468P, T1469P.
Identifiers: ClinVar variation 2813841 (VCV002813841.3), dbSNP rs1567532805, ClinGen allele CA394307413.
Genomic context (GRCh38, chr16:2,086,244, plus strand): 5'-TCCCCACAGAGCAACAGCGAGCTCGCCATCCTGTCCAATGAGCATGGCTCCTACAGGTAC[A>C]CGGAGTTCCTGACGGGCCTGGGCCGGCTCATCGAGCTGAAGGACTGCCAGCCGGACAAGG-3'
Protein context (NP_000539.2, residues 1562-1582): LSNEHGSYRY[Thr1572Pro]EFLTGLGRLI

ClinVar aggregate classification (germline): Uncertain significance (1 of 4 stars; one submission).

Conditions:
Tuberous sclerosis 2 (TSC2). Identifiers: Orphanet 805, MedGen C1860707, MONDO:0013199, OMIM 613254.

Submission:

Labcorp Genetics (formerly Invitae), Labcorp
Classification: Uncertain significance for Tuberous sclerosis 2. Last evaluated: 2022-11-12. Review status: criteria provided, single submitter. Criteria: Invitae Variant Classification Sherloc (09022015). Collection method: clinical testing. Allele origin: germline.
Comment: This variant has not been reported in the literature in individuals affected with TSC2-related conditions. This variant is not present in population databases (gnomAD no frequency). Advanced modeling of protein sequence and biophysical properties (such as structural, functional, and spatial information, amino acid conservation, physicochemical variation, residue mobility, and thermodynamic stability) performed at Invitae indicates that this missense variant is not expected to disrupt TSC2 protein function. This sequence change replaces threonine, which is neutral and polar, with proline, which is neutral and non-polar, at codon 1572 of the TSC2 protein (p.Thr1572Pro). In summary, the available evidence is currently insufficient to determine the role of this variant in disease. Therefore, it has been classified as a Variant of Uncertain Significance.